The following is an entry in ClinVar:

ClinVar aggregate classification (germline): Uncertain significance (1 of 4 stars; one submission).

Conditions:
Hereditary cancer-predisposing syndrome. Also called: Neoplastic Syndromes, Hereditary; Tumor predisposition; Hereditary neoplastic syndrome; Hereditary Cancer Syndrome. Identifiers: Orphanet 140162, MedGen C0027672, MeSH D009386, MONDO:0015356.

Submission:

Ambry Genetics
Classification: Uncertain significance for Hereditary cancer-predisposing syndrome. Last evaluated: 2023-10-09. Review status: criteria provided, single submitter. Criteria: Ambry Variant Classification Scheme 2023. Collection method: clinical testing. Allele origin: germline.
Comment: The p.Q62E variant (also known as c.184C>G), located in coding exon 2 of the RAD51C gene, results from a C to G substitution at nucleotide position 184. The glutamine at codon 62 is replaced by glutamic acid, an amino acid with highly similar properties. This amino acid position is conserved. In addition, this alteration is predicted to be tolerated by in silico analysis. Since supporting evidence is limited at this time, the clinical significance of this alteration remains unclear.

NM_058216.3(RAD51C):c.184C>G (p.Gln62Glu)

Gene: RAD51C (RAD51 paralog C; plus strand). Cytogenetic location: 17q22.
Variant type: single nucleotide variant.
Coding change: c.184C>G on transcript NM_058216.3 (MANE Select); coding-DNA position 184, C replaced by G.
Protein change: p.Gln62Glu; replaces glutamine 62 with glutamic acid.
Molecular consequence: missense variant. On other transcripts: non-coding transcript variant (2).
Genome position (GRCh38, 1-based): chr17:58,694,969, C>G. VCF-style: chr17-58694969-C-G. GRCh37 (hg19) VCF-style: chr17-56772330-C-G.
Other names: c.184C>G, p.Gln62Glu (NM_002876.4, NM_058217.1); short protein forms Q62E.
Identifiers: ClinVar variation 3228949 (VCV003228949.1), dbSNP rs1598455358, ClinGen allele CA400339785.